The following is an entry in ClinVar:

NM_152419.3(HGSNAT):c.1535G>C (p.Cys512Ser)

Gene: HGSNAT (heparan-alpha-glucosaminide N-acetyltransferase; plus strand). Cytogenetic location: 8p11.21.
Variant type: single nucleotide variant.
Coding change: c.1535G>C on transcript NM_152419.3 (MANE Select); coding-DNA position 1535, G replaced by C.
Protein change: p.Cys512Ser; replaces cysteine 512 with serine.
Molecular consequence: missense variant.
Genome position (GRCh38, 1-based): chr8:43,197,018, G>C. VCF-style: chr8-43197018-G-C. GRCh37 (hg19) VCF-style: chr8-43052161-G-C.
Other names: c.1535G>C (NM_152419.2); c.1622G>C, p.Cys541Ser (NM_001363227.2); c.1343G>C, p.Cys448Ser (NM_001363228.2); c.671G>C, p.Cys224Ser (NM_001363229.2); short protein forms C512S, C541S, C448S, C224S.
Identifiers: ClinVar variation 1379482 (VCV001379482.6), dbSNP rs762252722, ClinGen allele CA4736926.

ClinVar aggregate classification (germline): Uncertain significance. Review status: criteria provided, multiple submitters, no conflicts (2 of 4 stars). 2 submissions from 2 submitters: Uncertain significance (2). Last evaluated 2025-11-13.

Conditions:
Retinitis pigmentosa 73 (RP73). Identifiers: Orphanet 791, MedGen C4225287, MONDO:0014687, OMIM 616544.
Mucopolysaccharidosis, MPS-III-C (MPS3C). Also called: MPS IIIC (Sanfilippo Syndrome Type C); MUCOPOLYSACCHARIDOSIS, TYPE IIIC; Mucopolysaccharidosis type IIIC (Sanfilippo C); SANFILIPPO SYNDROME C; MPS III C; mucopolysaccharidosis type 3C. Identifiers: Orphanet 581, Orphanet 79271, MedGen C0086649, MONDO:0009657, OMIM 252930.
Inborn genetic diseases. Identifiers: MedGen C0950123, MeSH D030342.

Allele frequency attached by ClinVar (database versions not stated): ExAC 0.00001; gnomAD exomes 0.00001; gnomAD 0.00001.
gnomAD v4.1: 18 of 1,603,310 alleles (0.0011%); highest among the groups gnomAD compares: Non-Finnish European, 0.0015%; no homozygotes.

Submissions (2):

Ambry Genetics
Classification: Uncertain significance for Inborn genetic diseases. Last evaluated: 2025-11-13. Review status: criteria provided, single submitter. Criteria: Ambry Variant Classification Scheme 2023. Collection method: clinical testing. Allele origin: germline.

Labcorp Genetics (formerly Invitae), Labcorp
Classification: Uncertain significance for Retinitis pigmentosa 73; Mucopolysaccharidosis, MPS-III-C. Last evaluated: 2022-05-08. Review status: criteria provided, single submitter. Criteria: Invitae Variant Classification Sherloc (09022015). Collection method: clinical testing. Allele origin: germline.
Comment: This sequence change replaces cysteine, which is neutral and slightly polar, with serine, which is neutral and polar, at codon 512 of the HGSNAT protein (p.Cys512Ser). This variant is present in population databases (rs762252722, gnomAD 0.0009%). This variant has not been reported in the literature in individuals affected with HGSNAT-related conditions. Advanced modeling of protein sequence and biophysical properties (such as structural, functional, and spatial information, amino acid conservation, physicochemical variation, residue mobility, and thermodynamic stability) performed at Invitae indicates that this missense variant is not expected to disrupt HGSNAT protein function. In summary, the available evidence is currently insufficient to determine the role of this variant in disease. Therefore, it has been classified as a Variant of Uncertain Significance.